The following is an entry in ClinVar:

ClinVar aggregate classification (germline): Benign (1 of 4 stars; one submission).

Allele frequency attached by ClinVar (database versions not stated): 1000 Genomes Project 30x 0.03779; 1000 Genomes Project 0.03834; TOPMed 0.05356; gnomAD 0.05391 and 0.05438; gnomAD exomes 0.07171.
gnomAD v4.1: 78,559 of 1,135,068 alleles (6.9%); highest among the groups gnomAD compares: Non-Finnish European, 8%; 3,158 homozygotes.

Submission:

GeneDx
Classification: Benign. Last evaluated: 2018-06-19. Review status: criteria provided, single submitter. Criteria: GeneDx Variant Classification (06012015). Collection method: clinical testing. Allele origin: germline. Affected: yes.
Comment: This variant is considered likely benign or benign based on one or more of the following criteria: it is a conservative change, it occurs at a poorly conserved position in the protein, it is predicted to be benign by multiple in silico algorithms, and/or has population frequency not consistent with disease.

NM_033087.4(ALG2):c.349-111A>G

Genes: ALG2 (ALG2 alpha-1,3/1,6-mannosyltransferase; minus strand), LOC132090795 (Neanderthal introgressed variant-containing enhancer experimental_103900; plus strand). Cytogenetic location: 9q22.33.
Variant type: single nucleotide variant.
Coding change: c.349-111A>G on transcript NM_033087.4 (MANE Select); 111 bases into the intron before coding-DNA position 349, A replaced by G.
Molecular consequence: intron variant.
Genome position (GRCh38, 1-based): chr9:99,218,947, T>C on the plus strand (A>G on the coding strand, the complement: ALG2 is on the minus strand). VCF-style: chr9-99218947-T-C. GRCh37 (hg19) VCF-style: chr9-101981229-T-C.
Identifiers: ClinVar variation 676240 (VCV000676240.1), dbSNP rs41274646, ClinGen allele CA13054502.